The following is an entry in ClinVar:

NM_015346.4(ZFYVE26):c.4428dup (p.Leu1477fs)

Gene: ZFYVE26 (zinc finger FYVE-type containing 26; minus strand). Cytogenetic location: 14q24.1.
Variant type: Duplication.
Coding change: c.4428dup on transcript NM_015346.4 (MANE Select); coding-DNA position 4428, one base duplicated (G; older notation c.4428dupG).
Protein change: p.Leu1477fs; shifts the reading frame from leucine 1477.
Molecular consequence: frameshift variant.
Genome position (GRCh38, 1-based): chr14:67,781,474, C duplicated on the plus strand (G on the coding strand, the reverse complement: ZFYVE26 is on the minus strand); the first of 2 consecutive C bases (chr14:67,781,474-67,781,475); duplicating either gives the same sequence. VCF-style (leftmost placement, unchanged base first): chr14-67781473-G-GC. GRCh37 (hg19) VCF-style: chr14-68248190-G-GC.
Other names: short protein forms L1477fs.
Identifiers: ClinVar variation 1725499 (VCV001725499.2), dbSNP rs2502801136, ClinGen allele CA2580088632.
Genomic context (GRCh38, chr14:67,781,473, plus strand): 5'-AGTAGGCCAGAATCTCCAGGCATGACTCCAGGGGCCACCTGTCCACAAACTGTAGGGCCA[G>GC]CCGACTTCTCAGAGATGCATCCTTCACGGGAAACAGGTATTGCCAACCTTCTTTGTCTAT-3'

ClinVar aggregate classification (germline): Likely pathogenic (1 of 4 stars; one submission).

Conditions:
Hereditary spastic paraplegia 15 (SPG15). Also called: SPASTIC PARAPLEGIA 15, AUTOSOMAL RECESSIVE; KJELLIN SYNDROME; SPASTIC PARAPLEGIA AND RETINAL DEGENERATION. Identifiers: Orphanet 100996, MedGen C1849128, MONDO:0010044, OMIM 270700.

Submission:

Myriad Genetics, Inc.
Classification: Likely pathogenic for Hereditary spastic paraplegia 15. Last evaluated: 2022-03-29. Review status: criteria provided, single submitter. Criteria: Myriad Women's Health Autosomal Recessive and X-Linked Classification Criteria (2021). Collection method: clinical testing. Allele origin: unknown.
Comment: NM_015346.3(ZFYVE26):c.4428dupG(L1477Afs*34) is expected to be pathogenic in the context of spastic paraplegia type 15. This variant is predicted to lead to an abnormal or absent protein product due to the creation of a premature termination codon in ZFYVE26, a gene where loss-of-function variants are known to be pathogenic. Please note: this variant was assessed in the context of healthy population screening.